The following is an entry in ClinVar:

ClinVar aggregate classification (germline): Uncertain significance (1 of 4 stars; one submission).

Allele frequency attached by ClinVar (database versions not stated): TOPMed below 0.00001; gnomAD 0.00001.
gnomAD v4.1: 1 of 1,613,802 alleles (0.000062%); highest among the groups gnomAD compares: Non-Finnish European, 0.000085%; no homozygotes.

Submission:

Ambry Genetics
Classification: Uncertain significance. Last evaluated: 2023-09-27. Review status: criteria provided, single submitter. Criteria: Ambry Variant Classification Scheme 2023. Collection method: clinical testing. Allele origin: germline.
Comment: The p.S1632A variant (also known as c.4894T>G), located in coding exon 16 of the POLQ gene, results from a T to G substitution at nucleotide position 4894. The serine at codon 1632 is replaced by alanine, an amino acid with similar properties. This amino acid position is conserved. In addition, this alteration is predicted to be tolerated by in silico analysis. Since supporting evidence is limited at this time, the clinical significance of this alteration remains unclear.

NM_199420.4(POLQ):c.4894T>G (p.Ser1632Ala)

Gene: POLQ (DNA polymerase theta; minus strand). Cytogenetic location: 3q13.33.
Variant type: single nucleotide variant.
Coding change: c.4894T>G on transcript NM_199420.4 (MANE Select); coding-DNA position 4894, T replaced by G.
Protein change: p.Ser1632Ala; replaces serine 1632 with alanine.
Molecular consequence: missense variant.
Genome position (GRCh38, 1-based): chr3:121,488,037, A>C on the plus strand (T>G on the coding strand, the complement: POLQ is on the minus strand). VCF-style: chr3-121488037-A-C. GRCh37 (hg19) VCF-style: chr3-121206884-A-C.
Other names: short protein forms S1632A.
Identifiers: ClinVar variation 1743874 (VCV001743874.2), dbSNP rs1172647261, ClinGen allele CA354093358.